The following is an entry in ClinVar:

NM_001378454.1(ALMS1):c.11332A>G (p.Arg3778Gly)

Gene: ALMS1 (ALMS1 centrosome and basal body associated protein; plus strand). Cytogenetic location: 2p13.1.
Variant type: single nucleotide variant.
Coding change: c.11332A>G on transcript NM_001378454.1 (MANE Select); coding-DNA position 11332, A replaced by G.
Protein change: p.Arg3778Gly; replaces arginine 3778 with glycine.
Molecular consequence: missense variant.
Genome position (GRCh38, 1-based): chr2:73,573,209, A>G. VCF-style: chr2-73573209-A-G. GRCh37 (hg19) VCF-style: chr2-73800336-A-G.
Other names: c.11335A>G, p.Arg3779Gly (NM_015120.4); short protein forms R3779G, R3778G.
Identifiers: ClinVar variation 573367 (VCV000573367.7), dbSNP rs773130069, ClinGen allele CA1715171.

ClinVar aggregate classification (germline): Uncertain significance. Review status: criteria provided, single submitter (1 of 4 stars). 2 submissions from 2 submitters: Uncertain significance (1). 1 of the submissions does not count toward it. Last evaluated 2021-10-12.

Conditions:
Alstrom syndrome (ALMS). Identifiers: Orphanet 64, MedGen C0268425, MONDO:0008763, OMIM 203800.

Allele frequency attached by ClinVar (database versions not stated): gnomAD 0.00001; TOPMed 0.00001; ExAC 0.00002; gnomAD exomes 0.00002.
gnomAD v4.1: 17 of 1,612,444 alleles (0.0011%); highest among the groups gnomAD compares: Non-Finnish European, 0.00042%; no homozygotes.

Submissions (2):

Labcorp Genetics (formerly Invitae), Labcorp
Classification: Uncertain significance for Alstrom syndrome. Last evaluated: 2021-10-12. Review status: criteria provided, single submitter. Criteria: Invitae Variant Classification Sherloc (09022015). Collection method: clinical testing. Allele origin: germline.
Comment: This sequence change replaces arginine with glycine at codon 3779 of the ALMS1 protein (p.Arg3779Gly). The arginine residue is moderately conserved and there is a moderate physicochemical difference between arginine and glycine. This variant is present in population databases (rs773130069, ExAC 0.003%). This variant has not been reported in the literature in individuals affected with ALMS1-related conditions. ClinVar contains an entry for this variant (Variation ID: 573367). Experimental studies and prediction algorithms are not available or were not evaluated, and the functional significance of this variant is currently unknown. In summary, the available evidence is currently insufficient to determine the role of this variant in disease. Therefore, it has been classified as a Variant of Uncertain Significance.

Natera, Inc.
Classification: Uncertain significance for Alstrom syndrome. Last evaluated: 2020-08-05. Review status: no assertion criteria provided. Collection method: clinical testing. Allele origin: germline. Not counted in ClinVar's aggregate classification.